The following is an entry in ClinVar:

ClinVar aggregate classification (germline): Conflicting classifications of pathogenicity. Review status: criteria provided, conflicting classifications (1 of 4 stars). 2 submissions from 2 submitters: Uncertain significance (1); Likely benign (1). Last evaluated 2023-12-20.

Conditions:
Inborn genetic diseases. Identifiers: MedGen C0950123, MeSH D030342.

Allele frequency attached by ClinVar (database versions not stated): gnomAD exomes below 0.00001; gnomAD 0.00002; TOPMed 0.00002.
gnomAD v4.1: 5 of 1,613,924 alleles (0.00031%); highest among the groups gnomAD compares: South Asian, 0.0011%; no homozygotes.

Submissions (2):

Ambry Genetics
Classification: Likely benign for Inborn genetic diseases. Last evaluated: 2023-12-20. Review status: criteria provided, single submitter. Criteria: Ambry Variant Classification Scheme 2023. Collection method: clinical testing. Allele origin: germline.

Labcorp Genetics (formerly Invitae), Labcorp
Classification: Uncertain significance. Last evaluated: 2023-11-01. Review status: criteria provided, single submitter. Criteria: Invitae Variant Classification Sherloc (09022015). Collection method: clinical testing. Allele origin: germline.
Comment: This sequence change replaces proline, which is neutral and non-polar, with leucine, which is neutral and non-polar, at codon 1424 of the ARID1B protein (p.Pro1424Leu). This variant is present in population databases (no rsID available, gnomAD 0.002%). This variant has not been reported in the literature in individuals affected with ARID1B-related conditions. Advanced modeling of protein sequence and biophysical properties (such as structural, functional, and spatial information, amino acid conservation, physicochemical variation, residue mobility, and thermodynamic stability) has been performed at Invitae for this missense variant, however the output from this modeling did not meet the statistical confidence thresholds required to predict the impact of this variant on ARID1B protein function. In summary, the available evidence is currently insufficient to determine the role of this variant in disease. Therefore, it has been classified as a Variant of Uncertain Significance.

NM_001374828.1(ARID1B):c.4640C>T (p.Pro1547Leu)

Gene: ARID1B (AT-rich interaction domain 1B; plus strand). Cytogenetic location: 6q25.3.
Variant type: single nucleotide variant.
Coding change: c.4640C>T on transcript NM_001374828.1 (MANE Select); coding-DNA position 4640, C replaced by T.
Protein change: p.Pro1547Leu; replaces proline 1547 with leucine.
Molecular consequence: missense variant.
Genome position (GRCh38, 1-based): chr6:157,200,865, C>T. VCF-style: chr6-157200865-C-T. GRCh37 (hg19) VCF-style: chr6-157521999-C-T.
Other names: c.4391C>T, p.Pro1464Leu (NM_001346813.1); c.2141C>T, p.Pro714Leu (NM_001363725.2); c.4520C>T, p.Pro1507Leu (NM_001371656.1, NM_001374820.1); c.4481C>T, p.Pro1494Leu (NM_017519.3); c.4271C>T, p.Pro1424Leu (NM_020732.3); c.4058C>T, p.Pro1353Leu (NM_175863.2); short protein forms P1424L, P1494L, P1353L, P1464L, P1547L, P714L, P1507L.
Identifiers: ClinVar variation 2962974 (VCV002962974.4), dbSNP rs1258284323, ClinGen allele CA366241106.